The following is an entry in ClinVar:

ClinVar aggregate classification (germline): Likely benign. Review status: criteria provided, multiple submitters, no conflicts (2 of 4 stars). 4 submissions from 4 submitters: Likely benign (3). 1 of the submissions does not count toward it. Last evaluated 2025-02-24.

Conditions:
KCNJ11-related disorder. Also called: KCNJ11-related condition; KCNJ11-related disorders.
Inborn genetic diseases. Identifiers: MedGen C0950123, MeSH D030342.

Allele frequency attached by ClinVar (database versions not stated): gnomAD exomes 0.00001 and 0.00006; ExAC 0.00002; gnomAD 0.00006 and 0.00008; ESP Exome Variant Server 0.00008; TOPMed 0.00011.
gnomAD v4.1: 100 of 1,614,194 alleles (0.0062%); highest among the groups gnomAD compares: Admixed American, 0.01%; 1 homozygote.

Submissions (4):

Labcorp Genetics (formerly Invitae), Labcorp
Classification: Likely benign. Last evaluated: 2025-02-24. Review status: criteria provided, single submitter. Criteria: Invitae Variant Classification Sherloc (09022015). Collection method: clinical testing. Allele origin: germline.

Blueprint Genetics
Classification: Likely benign. Last evaluated: 2024-02-26. Review status: criteria provided, single submitter. Criteria: ACMG Guidelines, 2015. Collection method: clinical testing. Allele origin: germline.

Ambry Genetics
Classification: Likely benign for Inborn genetic diseases. Last evaluated: 2022-06-14. Review status: criteria provided, single submitter. Criteria: Ambry Variant Classification Scheme 2023. Collection method: clinical testing. Allele origin: germline.

PreventionGenetics, part of Exact Sciences
Classification: Likely benign for KCNJ11-related condition. Last evaluated: 2020-06-09. Review status: no assertion criteria provided. Collection method: clinical testing. Allele origin: germline. Not counted in ClinVar's aggregate classification.
Comment: This variant is classified as likely benign based on ACMG/AMP sequence variant interpretation guidelines (Richards et al. 2015 PMID: 25741868, with internal and published modifications).

NM_000525.4(KCNJ11):c.918C>T (p.Ala306=)

Gene: KCNJ11 (potassium inwardly rectifying channel subfamily J member 11; minus strand). Cytogenetic location: 11p15.1.
Variant type: single nucleotide variant.
Coding change: c.918C>T on transcript NM_000525.4 (MANE Select); coding-DNA position 918, C replaced by T.
Protein change: p.Ala306=; no amino-acid change (alanine 306 retained).
Molecular consequence: synonymous variant.
Genome position (GRCh38, 1-based): chr11:17,387,174, G>A on the plus strand (C>T on the coding strand, the complement: KCNJ11 is on the minus strand). VCF-style: chr11-17387174-G-A. GRCh37 (hg19) VCF-style: chr11-17408721-G-A.
Other names: c.657C>T, p.Ala219= (NM_001166290.2, NM_001377296.1, NM_001377297.1).
Identifiers: ClinVar variation 1128856 (VCV001128856.14), dbSNP rs377040874, ClinGen allele CA5902219.